The following is an entry in ClinVar:

NM_024867.4(SPEF2):c.1848T>A (p.Asn616Lys)

Gene: SPEF2 (sperm flagellar 2; plus strand). Cytogenetic location: 5p13.2.
Variant type: single nucleotide variant.
Coding change: c.1848T>A on transcript NM_024867.4 (MANE Select); coding-DNA position 1848, T replaced by A.
Protein change: p.Asn616Lys; replaces asparagine 616 with lysine.
Molecular consequence: missense variant.
Genome position (GRCh38, 1-based): chr5:35,692,673, T>A. VCF-style: chr5-35692673-T-A. GRCh37 (hg19) VCF-style: chr5-35692775-T-A.
Other names: short protein forms N616K.
Identifiers: ClinVar variation 403475 (VCV000403475.8), dbSNP rs7710284, ClinGen allele CA3230599.

ClinVar aggregate classification (germline): Benign. Review status: criteria provided, multiple submitters, no conflicts (2 of 4 stars). 3 submissions from 3 submitters: Benign (3). Last evaluated 2021-05-04.

Allele frequency attached by ClinVar (database versions not stated): gnomAD exomes 0.21911; ExAC 0.22232; ESP Exome Variant Server 0.26075; gnomAD 0.27528 and 0.27805; TOPMed 0.29133; 1000 Genomes Project 30x 0.35618; 1000 Genomes Project 0.35703.

Submissions (3):

GeneDx
Classification: Benign. Last evaluated: 2021-05-04. Review status: criteria provided, single submitter. Criteria: GeneDx Variant Classification Process June 2021. Collection method: clinical testing. Allele origin: germline. Affected: yes.

Laboratory for Molecular Medicine, Mass General Brigham Personalized Medicine
Classification: Benign. Last evaluated: 2016-03-29. Review status: criteria provided, single submitter. Criteria: LMM Criteria. Collection method: clinical testing. Allele origin: germline.
Comment: Variant identified in a genome or exome case(s) and assessed due to predicted null impact of the variant or pathogenic assertions in the literature or databases. Disclaimer: This variant has not undergone full assessment. The following are preliminary notes: Frequency

Breakthrough Genomics
Classification: Benign. Review status: criteria provided, single submitter. Criteria: ACMG Guidelines, 2015. Collection method: not provided. Allele origin: germline. Inheritance: Autosomal recessive inheritance. Affected: yes.